The following is an entry in ClinVar:

ClinVar aggregate classification (germline): Conflicting classifications of pathogenicity. Review status: criteria provided, conflicting classifications (1 of 4 stars). 2 submissions from 2 submitters: Uncertain significance (1); Likely benign (1). Last evaluated 2026-01-12.

Conditions:
Immunodeficiency, common variable, 2 (CVID2). Also called: HYPOGAMMAGLOBULINEMIA DUE TO TACI DEFICIENCY; ANTIBODY DEFICIENCY DUE TO TACI DEFECT. Identifiers: Orphanet 1572, MedGen C3150354, MONDO:0009413, OMIM 240500.

Allele frequency attached by ClinVar (database versions not stated): gnomAD 0.00006 and 0.00024; ESP Exome Variant Server 0.00008; TOPMed 0.00008; gnomAD exomes 0.00074; ExAC 0.00082; 1000 Genomes Project 30x 0.00156; 1000 Genomes Project 0.00160.
gnomAD v4.1: 637 of 1,613,852 alleles (0.039%); highest among the groups gnomAD compares: South Asian, 0.58%; no homozygotes.

Submissions (2):

Labcorp Genetics (formerly Invitae), Labcorp
Classification: Likely benign for Immunodeficiency, common variable, 2. Last evaluated: 2026-01-12. Review status: criteria provided, single submitter. Criteria: Invitae Variant Classification Sherloc (09022015). Collection method: clinical testing. Allele origin: germline.

Baylor Genetics
Classification: Uncertain significance for Immunodeficiency, common variable, 2. Last evaluated: 2019-09-06. Review status: criteria provided, single submitter. Criteria: ACMG Guidelines, 2015. Collection method: clinical testing. Allele origin: unknown. Affected: yes.
Comment: This variant was determined to be of uncertain significance according to ACMG Guidelines, 2015 [PMID:25741868].

NM_012452.3(TNFRSF13B):c.593G>A (p.Arg198His)

Gene: TNFRSF13B (TNF receptor superfamily member 13B; minus strand). Cytogenetic location: 17p11.2.
Variant type: single nucleotide variant.
Coding change: c.593G>A on transcript NM_012452.3 (MANE Select); coding-DNA position 593, G replaced by A.
Protein change: p.Arg198His; replaces arginine 198 with histidine.
Molecular consequence: missense variant.
Genome position (GRCh38, 1-based): chr17:16,940,364, C>T on the plus strand (G>A on the coding strand, the complement: TNFRSF13B is on the minus strand). VCF-style: chr17-16940364-C-T. GRCh37 (hg19) VCF-style: chr17-16843678-C-T.
Other names: short protein forms R198H.
Identifiers: ClinVar variation 710701 (VCV000710701.12), dbSNP rs150974807, ClinGen allele CA8413928.
Genomic context (GRCh38, chr17:16,940,364, plus strand): 5'-GACCCCAGTTTCATGCACTCACCCTGGGAAGACTTGGCCGGACTTTGACGGGGCCTTGAG[C>T]GGGGCTGGCAGGAGCAGGGATCCCCCCTCTTCTTGAGGAAGCAGGCCACCGCCACCAGGA-3'
Protein context (NP_036584.1, residues 188-208): KRGDPCSCQP[Arg198His]SRPRQSPAKS